The following is an entry in ClinVar:

ClinVar aggregate classification (germline): Uncertain significance. Review status: criteria provided, single submitter (1 of 4 stars). 2 submissions from 2 submitters: Uncertain significance (1). 1 of the submissions does not count toward it. Last evaluated 2024-10-03.

Conditions:
Retinitis pigmentosa 12 (RP12). Also called: RP WITH OR WITHOUT PPRPE; RP WITH OR WITHOUT PRESERVED PARAARTERIOLE RETINAL PIGMENT EPITHELIUM; RETINITIS PIGMENTOSA WITH OR WITHOUT PARAARTERIOLAR PRESERVATION OF RETINAL PIGMENT EPITHELIUM. Identifiers: Orphanet 791, MedGen C1838647, MONDO:0010818, OMIM 600105.
Leber congenital amaurosis 8 (LCA8). Identifiers: Orphanet 65, MedGen C3151202, MONDO:0013453, OMIM 613835.
Leber congenital amaurosis (LCA). Also called: Leber's amaurosis. Identifiers: Orphanet 65, MedGen C0339527, MeSH D057130, MONDO:0018998.

Allele frequency attached by ClinVar (database versions not stated): TOPMed below 0.00001; ExAC 0.00001; gnomAD exomes 0.00001.
gnomAD v4.1: 4 of 1,614,180 alleles (0.00025%); highest among the groups gnomAD compares: Admixed American, 0.005%; no homozygotes.

Submissions (2):

Labcorp Genetics (formerly Invitae), Labcorp
Classification: Uncertain significance for Leber congenital amaurosis 8; Retinitis pigmentosa 12. Last evaluated: 2024-10-03. Review status: criteria provided, single submitter. Criteria: Invitae Variant Classification Sherloc (09022015). Collection method: clinical testing. Allele origin: germline.
Comment: This sequence change replaces proline, which is neutral and non-polar, with leucine, which is neutral and non-polar, at codon 347 of the CRB1 protein (p.Pro347Leu). This variant is present in population databases (rs765500601, gnomAD 0.006%). This variant has not been reported in the literature in individuals affected with CRB1-related conditions. ClinVar contains an entry for this variant (Variation ID: 1063399). Invitae Evidence Modeling of protein sequence and biophysical properties (such as structural, functional, and spatial information, amino acid conservation, physicochemical variation, residue mobility, and thermodynamic stability) indicates that this missense variant is expected to disrupt CRB1 protein function with a positive predictive value of 95%. In summary, the available evidence is currently insufficient to determine the role of this variant in disease. Therefore, it has been classified as a Variant of Uncertain Significance.

Natera, Inc.
Classification: Uncertain significance for Leber congenital amaurosis. Last evaluated: 2020-11-05. Review status: no assertion criteria provided. Collection method: clinical testing. Allele origin: germline. Not counted in ClinVar's aggregate classification.

NM_201253.3(CRB1):c.1040C>T (p.Pro347Leu)

Gene: CRB1 (crumbs cell polarity complex component 1; plus strand). Cytogenetic location: 1q31.3.
Variant type: single nucleotide variant.
Coding change: c.1040C>T on transcript NM_201253.3 (MANE Select); coding-DNA position 1040, C replaced by T.
Protein change: p.Pro347Leu; replaces proline 347 with leucine.
Molecular consequence: missense variant. On other transcripts: non-coding transcript variant (2).
Genome position (GRCh38, 1-based): chr1:197,356,882, C>T. VCF-style: chr1-197356882-C-T. GRCh37 (hg19) VCF-style: chr1-197326012-C-T.
Other names: c.704C>T, p.Pro235Leu (NM_001193640.2); c.833C>T, p.Pro278Leu (NM_001257965.2); c.1040C>T, p.Pro347Leu (NM_001257966.2); short protein forms P235L, P278L, P347L.
Identifiers: ClinVar variation 1063399 (VCV001063399.9), dbSNP rs765500601, ClinGen allele CA1311788.